The following is an entry in ClinVar:

Conditions:
Arteriohepatic dysplasia. Also called: Alagille Syndrome. Identifiers: Orphanet 52, MedGen C0085280, MeSH D016738, MONDO:0007318.

Submission:

Gilbert/Spinner Lab, Children's Hospital of Philadelphia
No classification provided (evidence only). Condition: Alagille syndrome. Review status: no classification provided. Collection method: research. Allele origin: not applicable. Functional consequence: functionally_abnormal.
ClinVar note: "not provided" was previously submitted as the classification for the variant. However, the classification appeared to be based only on an observation of functional data so it was converted to no classification on 2025-07-30.

NM_000214.3(JAG1):c.371T>A (p.Phe124Tyr)

Gene: JAG1 (jagged canonical Notch ligand 1; minus strand). Cytogenetic location: 20p12.2.
Variant type: single nucleotide variant.
Coding change: c.371T>A on transcript NM_000214.3 (MANE Select); coding-DNA position 371, T replaced by A.
Protein change: p.Phe124Tyr; replaces phenylalanine 124 with tyrosine.
Molecular consequence: missense variant.
Genome position (GRCh38, 1-based): chr20:10,672,717, A>T on the plus strand (T>A on the coding strand, the complement: JAG1 is on the minus strand). VCF-style: chr20-10672717-A-T. GRCh37 (hg19) VCF-style: chr20-10653365-A-T.
Other names: short protein forms F124Y.
Identifiers: ClinVar variation 3573281 (VCV003573281.2).
Genomic context (GRCh38, chr20:10,672,717, plus strand): 5'-GGGTGTGAGGCTCCGCCCGGCCTCCTTCCCGAGTAGTCACTCACCGGCCAGGCGAAACTG[A>T]AAGGCAGCACGATGCGGTTGCGGTCGTTGCCGCGGCTGGCCTTGAGGTTGAAGGTGTTGC-3'
Protein context (NP_000205.1, residues 114-134): GNDRNRIVLP[Phe124Tyr]SFAWPRSYTL